The following is an entry in ClinVar:

NM_005504.7(BCAT1):c.1137C>T (p.Ser379=)

Gene: BCAT1 (branched chain amino acid transaminase 1; minus strand). Cytogenetic location: 12p12.1.
Variant type: single nucleotide variant.
Coding change: c.1137C>T on transcript NM_005504.7 (MANE Select); coding-DNA position 1137, C replaced by T.
Protein change: p.Ser379=; no amino-acid change (serine 379 retained).
Molecular consequence: synonymous variant. On other transcripts: 3 prime UTR variant (1), non-coding transcript variant (5).
Genome position (GRCh38, 1-based): chr12:24,818,032, G>A on the plus strand (C>T on the coding strand, the complement: BCAT1 is on the minus strand). VCF-style: chr12-24818032-G-A. GRCh37 (hg19) VCF-style: chr12-24970966-G-A.
Other names: c.1026C>T, p.Ser342= (NM_001178091.2); c.954C>T, p.Ser318= (NM_001178092.2); c.1173C>T, p.Ser391= (NM_001178093.2); c.1134C>T, p.Ser378= (NM_001178094.2); c.*18C>T (NM_001413086.1); c.1209C>T, p.Ser403= (NM_001413087.1); c.1200C>T, p.Ser400= (NM_001413088.1); c.1182C>T, p.Ser394= (NM_001413089.1); and 15 more.
Identifiers: ClinVar variation 3055911 (VCV003055911.2), dbSNP rs117200620, ClinGen allele CA6484693.
Genomic context (GRCh38, chr12:24,818,032, plus strand): 5'-TATCCTCTATTTTCCATTGTATCCTCTATTTTCCATTCAGGATAGCACAATTGTCCAGTC[G>A]CTCTCTTCTCTTCCATACTGCAACAAAAGCAAGAAAACGTGTTTCAGTACAGAAGCTAAC-3'
Protein context (NP_005495.2, residues 369-386): LTDIQYGREE[Ser379=]DWTIVLS

ClinVar aggregate classification (germline): Benign (0 of 4 stars; one submission).

Conditions:
BCAT1-related disorder. Also called: BCAT1-related condition.

Allele frequency attached by ClinVar (database versions not stated): ESP Exome Variant Server 0.01033; TOPMed 0.01035; gnomAD 0.01130; 1000 Genomes Project 30x 0.01327; 1000 Genomes Project 0.01418; ExAC 0.01725.
gnomAD v4.1: 20,843 of 1,612,726 alleles (1.3%); highest among the groups gnomAD compares: South Asian, 5.1%; 305 homozygotes.

Submission:

PreventionGenetics, part of Exact Sciences
Classification: Benign for BCAT1-related condition. Last evaluated: 2019-09-26. Review status: no assertion criteria provided. Collection method: clinical testing. Allele origin: germline.
Comment: This variant is classified as benign based on ACMG/AMP sequence variant interpretation guidelines (Richards et al. 2015 PMID: 25741868, with internal and published modifications).